The following is an entry in ClinVar:

ClinVar aggregate classification (germline): Uncertain significance. Review status: criteria provided, multiple submitters, no conflicts (2 of 4 stars). 3 submissions from 3 submitters: Uncertain significance (2). 1 of the submissions does not count toward it. Last evaluated 2023-03-20.

Conditions:
Inborn genetic diseases. Identifiers: MedGen C0950123, MeSH D030342.
Usher syndrome type 1 (USH1). Also called: RETINITIS PIGMENTOSA AND CONGENITAL DEAFNESS. Identifiers: Orphanet 231169, Orphanet 886, MedGen C1568247, MONDO:0010168, OMIM 276900.

Allele frequency attached by ClinVar (database versions not stated): gnomAD 0.00001; TOPMed 0.00001.
gnomAD v4.1: 1 of 1,608,560 alleles (0.000062%); highest among the groups gnomAD compares: Non-Finnish European, 0.000085%; no homozygotes.

Submissions (3):

Ambry Genetics
Classification: Uncertain significance for Inborn genetic diseases. Last evaluated: 2023-03-20. Review status: criteria provided, single submitter. Criteria: Ambry Variant Classification Scheme 2023. Collection method: clinical testing. Allele origin: germline.

Labcorp Genetics (formerly Invitae), Labcorp
Classification: Uncertain significance. Last evaluated: 2022-02-10. Review status: criteria provided, single submitter. Criteria: Invitae Variant Classification Sherloc (09022015). Collection method: clinical testing. Allele origin: germline.
Comment: This sequence change replaces valine, which is neutral and non-polar, with glycine, which is neutral and non-polar, at codon 551 of the CDH23 protein (p.Val551Gly). This variant is present in population databases (no rsID available, gnomAD 0.0009%). This variant has not been reported in the literature in individuals affected with CDH23-related conditions. ClinVar contains an entry for this variant (Variation ID: 1015439). Algorithms developed to predict the effect of missense changes on protein structure and function are either unavailable or do not agree on the potential impact of this missense change (SIFT: "Deleterious"; PolyPhen-2: "Not Available"; Align-GVGD: "Class C0"). In summary, the available evidence is currently insufficient to determine the role of this variant in disease. Therefore, it has been classified as a Variant of Uncertain Significance.

Natera, Inc.
Classification: Uncertain significance for Usher syndrome type 1. Last evaluated: 2020-03-10. Review status: no assertion criteria provided. Collection method: clinical testing. Allele origin: germline. Not counted in ClinVar's aggregate classification.

NM_022124.6(CDH23):c.1652T>G (p.Val551Gly)

Gene: CDH23 (cadherin related 23; plus strand). Cytogenetic location: 10q22.1.
Variant type: single nucleotide variant.
Coding change: c.1652T>G on transcript NM_022124.6 (MANE Select); coding-DNA position 1652, T replaced by G.
Protein change: p.Val551Gly; replaces valine 551 with glycine.
Molecular consequence: missense variant.
Genome position (GRCh38, 1-based): chr10:71,677,593, T>G. VCF-style: chr10-71677593-T-G. GRCh37 (hg19) VCF-style: chr10-73437350-T-G.
Other names: c.1652T>G, p.Val551Gly (NM_001171930.2, NM_001171931.2); c.1652T>G (NM_022124.5); short protein forms V551G.
Identifiers: ClinVar variation 1015439 (VCV001015439.5), dbSNP rs1251632622, ClinGen allele CA377130533.
Genomic context (GRCh38, chr10:71,677,593, plus strand): 5'-TGACGATCATTGCCCGGGACGGGGGCGGCGAGGAGACCACAGGCCGGGTCAGGATCAATG[T>G]GTTGGATGTCAACGACAACGTGCCCACCTTCCAGAAGGATGCCTACGTGGGTGCTCTGCG-3'
Protein context (NP_071407.4, residues 541-561): EETTGRVRIN[Val551Gly]LDVNDNVPTF